The following is an entry in ClinVar:

ClinVar aggregate classification (germline): Benign (1 of 4 stars; one submission).

Allele frequency attached by ClinVar (database versions not stated): gnomAD exomes 0.00504 and 0.00218; ExAC 0.00613; 1000 Genomes Project 30x 0.00765; ESP Exome Variant Server 0.00046; gnomAD 0.00097 and 0.00192; TOPMed 0.00174; 1000 Genomes Project 0.00859.
gnomAD v4.1: 3,539 of 1,597,698 alleles (0.22%); highest among the groups gnomAD compares: East Asian, 2.5%; 62 homozygotes.

Submissions (9):

Laboratory for Molecular Medicine, Mass General Brigham Personalized Medicine
Classification: Benign. Last evaluated: 2013-02-21. Review status: criteria provided, single submitter. Criteria: LMM Criteria. Collection method: clinical testing. Allele origin: germline. Observed: 1 variant allele.
Comment: 399+4A>C in intron 5 of ELMOD2: This variant is not expected to have clinical si gnificance because it has been identified in 3.5% (7/200) of Han Chinese chromos omes from a broad population by the 1000 Genomes Project (h.gov/projects/SNP; dbSNP rs149594258).

Dr. Peter K. Rogan Lab, Western University
No classification provided (evidence only). Condition: Cervical cancer. Review status: no classification provided. Collection method: in vitro. Allele origin: not applicable. Functional consequence: retained intron. Not counted in ClinVar's aggregate classification.

Dr. Peter K. Rogan Lab, Western University
No classification provided (evidence only). Condition: Cervical cancer. Review status: no classification provided. Collection method: in vitro. Allele origin: not applicable. Functional consequence: retained intron. Not counted in ClinVar's aggregate classification.

Dr. Peter K. Rogan Lab, Western University
No classification provided (evidence only). Condition: Sarcoma. Review status: no classification provided. Collection method: in vitro. Allele origin: not applicable. Functional consequence: retained intron. Not counted in ClinVar's aggregate classification.

Dr. Peter K. Rogan Lab, Western University
No classification provided (evidence only). Condition: Malignant lymphoma, large B-cell, diffuse. Review status: no classification provided. Collection method: in vitro. Allele origin: not applicable. Functional consequence: retained intron. Not counted in ClinVar's aggregate classification.

Dr. Peter K. Rogan Lab, Western University
No classification provided (evidence only). Condition: Hepatocellular carcinoma. Review status: no classification provided. Collection method: in vitro. Allele origin: not applicable. Functional consequence: retained intron. Not counted in ClinVar's aggregate classification.

Dr. Peter K. Rogan Lab, Western University
No classification provided (evidence only). Condition: Gastric cancer. Review status: no classification provided. Collection method: in vitro. Allele origin: not applicable. Functional consequence: retained intron. Not counted in ClinVar's aggregate classification.

Dr. Peter K. Rogan Lab, Western University
No classification provided (evidence only). Condition: Malignant tumor of esophagus. Review status: no classification provided. Collection method: in vitro. Allele origin: not applicable. Functional consequence: retained intron. Not counted in ClinVar's aggregate classification.

Dr. Peter K. Rogan Lab, Western University
No classification provided (evidence only). Condition: Familial pancreatic carcinoma. Review status: no classification provided. Collection method: in vitro. Allele origin: not applicable. Functional consequence: retained intron. Not counted in ClinVar's aggregate classification.

NM_153702.4(ELMOD2):c.399+4A>C

Gene: ELMOD2 (ELMO domain containing 2; plus strand). Cytogenetic location: 4q31.1.
Variant type: single nucleotide variant.
Coding change: c.399+4A>C on transcript NM_153702.4 (MANE Select); 4 bases into the intron after coding-DNA position 399, A replaced by C.
Molecular consequence: intron variant.
Genome position (GRCh38, 1-based): chr4:140,537,545, A>C. VCF-style: chr4-140537545-A-C. GRCh37 (hg19) VCF-style: chr4-141458699-A-C.
Identifiers: ClinVar variation 504727 (VCV000504727.5), dbSNP rs149594258, ClinGen allele CA3086433.
Genomic context (GRCh38, chr4:140,537,545, plus strand): 5'-GTGAGGAAAAGGCCATATGATTCTGATAACCTACAGCATGAAGAGCTACTCATGAAGGTA[A>C]ATTTCTGTTTTCTTTATGTGGAGTTGTTGAACGCTAGAAAAATAAATCAGGCTTCAGCTA-3'